The following is an entry in ClinVar:

ClinVar aggregate classification (germline): Uncertain significance. Review status: criteria provided, multiple submitters, no conflicts (2 of 4 stars). 3 submissions from 3 submitters: Uncertain significance (3). Last evaluated 2025-01-19.

Conditions:
Retinal dystrophy. Also called: Inherited retinal dystrophy. Identifiers: Orphanet 71862, MedGen C0854723, MeSH D058499, MONDO:0019118, HP:0000556.

Allele frequency attached by ClinVar (database versions not stated): ExAC 0.00002.
gnomAD v4.1: 15 of 1,607,454 alleles (0.00093%); highest among the groups gnomAD compares: East Asian, 0.009%; no homozygotes.

Submissions (3):

Ambry Genetics
Classification: Uncertain significance. Last evaluated: 2025-01-19. Review status: criteria provided, single submitter. Criteria: Ambry Variant Classification Scheme 2023. Collection method: clinical testing. Allele origin: germline.

Dept Of Ophthalmology, Nagoya University
Classification: Uncertain significance for Retinal dystrophy. Last evaluated: 2023-10-01. Review status: criteria provided, single submitter. Criteria: Submitter's publication. Collection method: research. Allele origin: germline. Affected: yes.

Labcorp Genetics (formerly Invitae), Labcorp
Classification: Uncertain significance. Last evaluated: 2023-07-31. Review status: criteria provided, single submitter. Criteria: Invitae Variant Classification Sherloc (09022015). Collection method: clinical testing. Allele origin: germline.
Comment: ClinVar contains an entry for this variant (Variation ID: 1907032). An algorithm developed to predict the effect of missense changes on protein structure and function (PolyPhen-2) suggests that this variant is likely to be disruptive. In summary, the available evidence is currently insufficient to determine the role of this variant in disease. Therefore, it has been classified as a Variant of Uncertain Significance. This sequence change replaces arginine, which is basic and polar, with histidine, which is basic and polar, at codon 337 of the NEK2 protein (p.Arg337His). This variant is present in population databases (rs763584429, gnomAD 0.007%). This variant has not been reported in the literature in individuals affected with NEK2-related conditions.

NM_002497.4(NEK2):c.1010G>A (p.Arg337His)

Gene: NEK2 (NIMA related kinase 2; minus strand). Cytogenetic location: 1q32.3.
Variant type: single nucleotide variant.
Coding change: c.1010G>A on transcript NM_002497.4 (MANE Select); coding-DNA position 1010, G replaced by A.
Protein change: p.Arg337His; replaces arginine 337 with histidine.
Molecular consequence: missense variant.
Genome position (GRCh38, 1-based): chr1:211,667,207, C>T on the plus strand (G>A on the coding strand, the complement: NEK2 is on the minus strand). VCF-style: chr1-211667207-C-T. GRCh37 (hg19) VCF-style: chr1-211840549-C-T.
Other names: c.1010G>A, p.Arg337His (NM_001204182.2, NM_001204183.2); c.1010G>A (NM_002497.3); short protein forms R337H.
Identifiers: ClinVar variation 1907032 (VCV001907032.7), dbSNP rs763584429, ClinGen allele CA1381526.